The following is an entry in ClinVar:

NM_004329.3(BMPR1A):c.954dup (p.Asp319Ter)

Gene: BMPR1A (bone morphogenetic protein receptor type 1A; plus strand). Cytogenetic location: 10q23.2.
Variant type: Duplication.
Coding change: c.954dup on transcript NM_004329.3 (MANE Select); coding-DNA position 954, one base duplicated (T; older notation c.954dupT).
Protein change: p.Asp319Ter; replaces aspartic acid 319 with a stop codon.
Molecular consequence: nonsense.
Genome position (GRCh38, 1-based): chr10:86,919,257, T duplicated. VCF-style (leftmost placement, unchanged base first): chr10-86919256-A-AT. GRCh37 (hg19) VCF-style: chr10-88679013-A-AT.
Other names: short protein forms D319*.
Identifiers: ClinVar variation 944516 (VCV000944516.8), dbSNP rs1843623596, ClinGen allele CA1139661557.

ClinVar aggregate classification (germline): Pathogenic (1 of 4 stars; one submission).

Conditions:
Juvenile polyposis syndrome (JPS). Identifiers: Orphanet 2929, MedGen C0345893, MONDO:0017380, OMIM 174900.

Submission:

Labcorp Genetics (formerly Invitae), Labcorp
Classification: Pathogenic for Juvenile polyposis syndrome. Last evaluated: 2019-07-17. Review status: criteria provided, single submitter. Criteria: Invitae Variant Classification Sherloc (09022015). Collection method: clinical testing. Allele origin: germline.
Comment: This sequence change creates a premature translational stop signal (p.Asp319*) in the BMPR1A gene. It is expected to result in an absent or disrupted protein product. This variant is not present in population databases (ExAC no frequency). This variant has not been reported in the literature in individuals with BMPR1A-related conditions. Loss-of-function variants in BMPR1A are known to be pathogenic (PMID: 11536076, 12417513). For these reasons, this variant has been classified as Pathogenic.

Literature cited by the submitters: PubMed 11536076; PubMed 12417513.